The following is an entry in ClinVar:

ClinVar aggregate classification (germline): Conflicting classifications of pathogenicity. Review status: criteria provided, conflicting classifications (1 of 4 stars). 2 submissions from 2 submitters: Uncertain significance (1); Likely benign (1). Last evaluated 2023-11-01.

Allele frequency attached by ClinVar (database versions not stated): ESP Exome Variant Server 0.00015; gnomAD 0.00024; TOPMed 0.00024; ExAC 0.00037.
gnomAD v4.1: 343 of 1,613,948 alleles (0.021%); highest among the groups gnomAD compares: Middle Eastern, 0.033%; no homozygotes.

Submissions (2):

CeGaT Center for Human Genetics Tuebingen
Classification: Likely benign. Last evaluated: 2023-11-01. Review status: criteria provided, single submitter. Criteria: CeGaT Center For Human Genetics Tuebingen Variant Classification Criteria Version 2. Collection method: clinical testing. Allele origin: germline. Affected: yes. Observed: 1 variant allele.
Comment: ATG2B: BP4

Ambry Genetics
Classification: Uncertain significance. Last evaluated: 2021-08-12. Review status: criteria provided, single submitter. Criteria: Ambry Variant Classification Scheme 2023. Collection method: clinical testing. Allele origin: germline.

NM_018036.7(ATG2B):c.3620C>T (p.Ser1207Phe)

Gene: ATG2B (autophagy related 2B; minus strand). Cytogenetic location: 14q32.2.
Variant type: single nucleotide variant.
Coding change: c.3620C>T on transcript NM_018036.7 (MANE Select); coding-DNA position 3620, C replaced by T.
Protein change: p.Ser1207Phe; replaces serine 1207 with phenylalanine.
Molecular consequence: missense variant.
Genome position (GRCh38, 1-based): chr14:96,315,176, G>A on the plus strand (C>T on the coding strand, the complement: ATG2B is on the minus strand). VCF-style: chr14-96315176-G-A. GRCh37 (hg19) VCF-style: chr14-96781513-G-A.
Other names: short protein forms S1207F.
Identifiers: ClinVar variation 2382249 (VCV002382249.25), dbSNP rs201113967, ClinGen allele CA7336201.